The following is an entry in ClinVar:

NM_002063.4(GLRA2):c.69-3T>G

Gene: GLRA2 (glycine receptor alpha 2; plus strand). Cytogenetic location: Xp22.2.
Variant type: single nucleotide variant.
Coding change: c.69-3T>G on transcript NM_002063.4 (MANE Select); 3 bases into the intron before coding-DNA position 69, T replaced by G.
Molecular consequence: intron variant.
Genome position (GRCh38, 1-based): chrX:14,532,236, T>G. VCF-style: chrX-14532236-T-G. GRCh37 (hg19) VCF-style: chrX-14550358-T-G.
Other names: c.-159-3T>G (NM_001171942.2); c.69-3T>G (NM_001118885.2, NM_001118886.2).
Identifiers: ClinVar variation 3766132 (VCV003766132.1).
Genomic context (GRCh38, chrX:14,532,236, plus strand): 5'-TGAGCGTTAGCTCTCAAGGGATGCAAATGAAATTGTTGCTAAAAGAGTTAATGATGTGTT[T>G]AGGACGGCTTTCTGCAAAGACCATGACTCCAGGTCTGGAAAACAACCTTCACAGACCCTA-3'

ClinVar aggregate classification (germline): Uncertain significance (1 of 4 stars; one submission).

gnomAD v4.1: 2 of 1,167,765 alleles (0.00017%); highest among the groups gnomAD compares: Non-Finnish European, 0.00023%; no homozygotes.

Submission:

GeneDx
Classification: Uncertain significance. Last evaluated: 2023-01-09. Review status: criteria provided, single submitter. Criteria: GeneDx Variant Classification Process June 2021. Collection method: clinical testing. Allele origin: germline. Affected: yes.
Comment: Not observed at significant frequency in large population cohorts (gnomAD); In silico analysis supports a deleterious effect on splicing; Has not been previously published as pathogenic or benign to our knowledge; Variants in candidate genes are classified as variants of uncertain significance in accordance with ACMG guidelines (Richards et al., 2015)